The following is an entry in ClinVar:

ClinVar aggregate classification (germline): Conflicting classifications of pathogenicity. Review status: criteria provided, conflicting classifications (1 of 4 stars). 4 submissions from 4 submitters: Uncertain significance (3); Likely benign (1). Last evaluated 2026-01-21.

Conditions:
Birt-Hogg-Dube syndrome. Also called: Birt Hogg Dubé syndrome. Identifiers: Orphanet 122, MedGen C0346010, MONDO:0800444.
Hereditary cancer-predisposing syndrome. Also called: Hereditary neoplastic syndrome; Neoplastic Syndromes, Hereditary; Tumor predisposition; Hereditary Cancer Syndrome. Identifiers: Orphanet 140162, MedGen C0027672, MeSH D009386, MONDO:0015356.

Allele frequency attached by ClinVar (database versions not stated): gnomAD exomes below 0.00001 and 0.00001; ExAC 0.00001; gnomAD 0.00001; TOPMed 0.00001.

Submissions (4):

Labcorp Genetics (formerly Invitae), Labcorp
Classification: Uncertain significance for Birt-Hogg-Dube syndrome. Last evaluated: 2026-01-21. Review status: criteria provided, single submitter. Criteria: Invitae Variant Classification Sherloc (09022015). Collection method: clinical testing. Allele origin: germline.
Comment: This sequence change replaces histidine, which is basic and polar, with tyrosine, which is neutral and polar, at codon 92 of the FLCN protein (p.His92Tyr). This variant is present in population databases (rs755107067, gnomAD 0.0009%). This variant has not been reported in the literature in individuals affected with FLCN-related conditions. ClinVar contains an entry for this variant (Variation ID: 409386). Invitae Evidence Modeling of protein sequence and biophysical properties (such as structural, functional, and spatial information, amino acid conservation, physicochemical variation, residue mobility, and thermodynamic stability) indicates that this missense variant is not expected to disrupt FLCN protein function with a negative predictive value of 80%. In summary, the available evidence is currently insufficient to determine the role of this variant in disease. Therefore, it has been classified as a Variant of Uncertain Significance.

GeneDx
Classification: Uncertain significance. Last evaluated: 2024-08-26. Review status: criteria provided, single submitter. Criteria: GeneDx Variant Classification Process June 2021. Collection method: clinical testing. Allele origin: germline. Affected: yes.
Comment: Not observed at significant frequency in large population cohorts (gnomAD); In silico analysis supports that this missense variant has a deleterious effect on protein structure/function; Has not been previously published as pathogenic or benign to our knowledge

Baylor Genetics
Classification: Uncertain significance for Birt-Hogg-Dube syndrome 1. Last evaluated: 2023-10-05. Review status: criteria provided, single submitter. Criteria: ACMG Guidelines, 2015. Collection method: clinical testing. Allele origin: unknown.

Ambry Genetics
Classification: Likely benign for Hereditary cancer-predisposing syndrome. Last evaluated: 2022-06-13. Review status: criteria provided, single submitter. Criteria: Ambry Variant Classification Scheme 2023. Collection method: clinical testing. Allele origin: germline.

NM_144997.7(FLCN):c.274C>T (p.His92Tyr)

Gene: FLCN (folliculin; minus strand). Cytogenetic location: 17p11.2.
Variant type: single nucleotide variant.
Coding change: c.274C>T on transcript NM_144997.7 (MANE Select); coding-DNA position 274, C replaced by T.
Protein change: p.His92Tyr; replaces histidine 92 with tyrosine.
Molecular consequence: missense variant.
Genome position (GRCh38, 1-based): chr17:17,226,298, G>A on the plus strand (C>T on the coding strand, the complement: FLCN is on the minus strand). VCF-style: chr17-17226298-G-A. GRCh37 (hg19) VCF-style: chr17-17129612-G-A.
Other names: c.274C>T (LRG_325t1); c.274C>T, p.His92Tyr (NM_001353229.2, NM_001353230.2, NM_001353231.2 and 1 more transcripts); short protein forms H92Y.
Identifiers: ClinVar variation 409386 (VCV000409386.14), dbSNP rs755107067, ClinGen allele CA8416461.
Genomic context (GRCh38, chr17:17,226,298, plus strand): 5'-GGTGCTGGTGGCTGACGTATTTAATGGAGGTCTCTTTATCATGGCTGATATATCCCGGGT[G>A]CCCTGCAGCAAGTGACCGGCAGCCCTGTCCATGAAAAGGAAAAGTAAATCTGTTAGTTGG-3'
Protein context (NP_659434.2, residues 82-102): CEGCRSLAAG[His92Tyr]PGYISHDKET